The following is an entry in ClinVar:

NM_033547.4(INTS4):c.2097+173A>G

Genes: AAMDC (adipogenesis associated Mth938 domain containing; plus strand), INTS4 (integrator complex subunit 4; minus strand). Cytogenetic location: 11q14.1.
Variant type: single nucleotide variant.
Coding change: c.2097+173A>G on transcript NM_033547.4 (MANE Select); 173 bases into the intron after coding-DNA position 2097, A replaced by G.
Molecular consequence: intron variant. On other transcripts: 3 prime UTR variant (4), non-coding transcript variant (4).
Genome position (GRCh38, 1-based): chr11:77,903,367, T>C on the plus strand (A>G on the coding strand, the complement: INTS4 is on the minus strand). VCF-style: chr11-77903367-T-C. GRCh37 (hg19) VCF-style: chr11-77614413-T-C.
Other names: c.*2681T>C (NM_001316957.3); c.*2766T>C (NM_001316958.3, NM_001392034.1); c.*2785T>C (NM_001392068.1).
Identifiers: ClinVar variation 4874159 (VCV004874159.2).

ClinVar aggregate classification (germline): Likely benign (1 of 4 stars; one submission).

gnomAD v4.1: 19 of 147,202 alleles (0.013%); highest among the groups gnomAD compares: South Asian, 0.022%; no homozygotes.

Submission:

CeGaT Center for Human Genetics Tuebingen
Classification: Likely benign. Last evaluated: 2026-05-01. Review status: criteria provided, single submitter. Criteria: CeGaT Center For Human Genetics Tuebingen Variant Classification Criteria Version 2. Collection method: clinical testing. Allele origin: germline. Affected: yes. Observed: 1 variant allele.
Comment: INTS4: BP4, BP7